The following is an entry in ClinVar:

NM_001852.4(COL9A2):c.1792+102C>T

Gene: COL9A2 (collagen type IX alpha 2 chain; minus strand). Cytogenetic location: 1p34.2.
Variant type: single nucleotide variant.
Coding change: c.1792+102C>T on transcript NM_001852.4 (MANE Select); 102 bases into the intron after coding-DNA position 1792, C replaced by T.
Molecular consequence: intron variant.
Genome position (GRCh38, 1-based): chr1:40,302,519, G>A on the plus strand (C>T on the coding strand, the complement: COL9A2 is on the minus strand). VCF-style: chr1-40302519-G-A. GRCh37 (hg19) VCF-style: chr1-40768191-G-A.
Identifiers: ClinVar variation 677993 (VCV000677993.1), dbSNP rs117337557, ClinGen allele CA10900980.

ClinVar aggregate classification (germline): Likely benign (1 of 4 stars; one submission).

Allele frequency attached by ClinVar (database versions not stated): gnomAD 0.01805 and 0.02048; TOPMed 0.02030; 1000 Genomes Project 30x 0.03592; 1000 Genomes Project 0.03794.
gnomAD v4.1: 25,269 of 1,331,130 alleles (1.9%); highest among the groups gnomAD compares: South Asian, 7.5%; 480 homozygotes.

Submission:

GeneDx
Classification: Likely benign. Last evaluated: 2018-06-14. Review status: criteria provided, single submitter. Criteria: GeneDx Variant Classification (06012015). Collection method: clinical testing. Allele origin: germline. Affected: yes.
Comment: This variant is considered likely benign or benign based on one or more of the following criteria: it is a conservative change, it occurs at a poorly conserved position in the protein, it is predicted to be benign by multiple in silico algorithms, and/or has population frequency not consistent with disease.